The following is an entry in ClinVar:

ClinVar aggregate classification (germline): Likely pathogenic (1 of 4 stars; one submission).

Conditions:
Intellectual developmental disorder, X-linked 93. Also called: MENTAL RETARDATION, X-LINKED, WITH MACROCEPHALY; Intellectual disability, X-linked 93. Identifiers: MedGen C1970841, MONDO:0010393, OMIM 300659.

Submission:

3billion
Classification: Likely pathogenic for Intellectual developmental disorder, X-linked 93. Last evaluated: 2024-10-10. Review status: criteria provided, single submitter. Criteria: ACMG Guidelines, 2015. Collection method: clinical testing. Allele origin: germline. Affected: yes.
Comment: The variant is not observed in the gnomAD v4.1.0 dataset. Predicted Consequence/Location: Frameshift: predicted to result in a loss or disruption of normal protein function through nonsense-mediated decay (NMD) or protein truncation. Multiple pathogenic variants are reported downstream of the variant. Therefore, this variant is classified as Likely pathogenic according to the recommendation of ACMG/AMP guideline.

NM_153252.5(BRWD3):c.2955del (p.Phe985fs)

Gene: BRWD3 (bromodomain and WD repeat domain containing 3; minus strand). Cytogenetic location: Xq21.1.
Variant type: Deletion.
Coding change: c.2955del on transcript NM_153252.5 (MANE Select); coding-DNA position 2955, one base deleted (T; older notation c.2955delT).
Protein change: p.Phe985fs; shifts the reading frame from phenylalanine 985.
Molecular consequence: frameshift variant.
Genome position (GRCh38, 1-based): chrX:80,696,852, A deleted on the plus strand (T on the coding strand, the reverse complement: BRWD3 is on the minus strand); the first of 3 consecutive A bases (chrX:80,696,852-80,696,854); deleting any one gives the same sequence. VCF-style (leftmost placement, unchanged base first): chrX-80696851-CA-C. GRCh37 (hg19) VCF-style: chrX-79952350-CA-C.
Other names: c.2805del, p.Phe935fs (NM_001441339.1); short protein forms F935fs, F985fs.
Identifiers: ClinVar variation 4292558 (VCV004292558.1).
Genomic context (GRCh38, chrX:80,696,851, plus strand): 5'-CAAGCTTCAAGCAGCACAGTGTGGGTGGGCCAACCTCATATTTGATTCCTACAATCTTAA[CA>C]AACTCTTGCTCCTATTCATGAGAATACCAATAAATTATTACTTTCAATATAATTACTTAA-3'